The following is an entry in ClinVar:

ClinVar aggregate classification (germline): Likely pathogenic (1 of 4 stars; one submission).

Conditions:
Nephronophthisis. Also called: Juvenile Nephronophthisis. Identifiers: Orphanet 655, MedGen C0687120, MONDO:0019005, HP:0000090.

Allele frequency attached by ClinVar (database versions not stated): gnomAD exomes below 0.00001; gnomAD 0.00001.
gnomAD v4.1: 6 of 1,530,296 alleles (0.00039%); highest among the groups gnomAD compares: Non-Finnish European, 0.00054%; no homozygotes.

Submission:

Labcorp Genetics (formerly Invitae), Labcorp
Classification: Likely pathogenic for Nephronophthisis. Last evaluated: 2021-05-29. Review status: criteria provided, single submitter. Criteria: Invitae Variant Classification Sherloc (09022015). Collection method: clinical testing. Allele origin: germline.
Comment: This sequence change affects an acceptor splice site in intron 7 of the IQCB1 gene. It is expected to disrupt RNA splicing. Variants that disrupt the donor or acceptor splice site typically lead to a loss of protein function (PMID: 16199547), and loss-of-function variants in IQCB1 are known to be pathogenic (PMID: 15723066, 21901789, 23559409, 28041643). This variant is not present in population databases (ExAC no frequency). This variant has not been reported in the literature in individuals with IQCB1-related conditions. Algorithms developed to predict the effect of sequence changes on RNA splicing suggest that this variant may disrupt the consensus splice site, but this prediction has not been confirmed by published transcriptional studies. In summary, the currently available evidence indicates that the variant is pathogenic, but additional data are needed to prove that conclusively. Therefore, this variant has been classified as Likely Pathogenic.

Literature cited by the submitters: PubMed 16199547; PubMed 15723066; PubMed 21901789; PubMed 23559409; PubMed 28041643.

NM_001023570.4(IQCB1):c.588-2A>G

Gene: IQCB1 (IQ motif containing B1; minus strand). Cytogenetic location: 3q13.33.
Variant type: single nucleotide variant.
Coding change: c.588-2A>G on transcript NM_001023570.4 (MANE Select); the canonical splice acceptor site of the intron before coding-DNA position 588, A replaced by G.
Molecular consequence: splice acceptor variant. On other transcripts: intron variant (1).
Genome position (GRCh38, 1-based): chr3:121,799,376, T>C on the plus strand (A>G on the coding strand, the complement: IQCB1 is on the minus strand). VCF-style: chr3-121799376-T-C. GRCh37 (hg19) VCF-style: chr3-121518223-T-C.
Other names: c.588-2A>G (NM_001319107.2); c.587+7968A>G (NM_001023571.4).
Identifiers: ClinVar variation 1521325 (VCV001521325.10), dbSNP rs1250919247, ClinGen allele CA354102184.
Genomic context (GRCh38, chr3:121,799,376, plus strand): 5'-AAATAACTTCATCTAAAATTGAATACAGGGCTTTTCTTCCTATTCTGAGTAAATCACCAC[T>C]AATAGAACAAAATAAAAAAAAAAGTACCATTACTAATTGATGTACAGGTATCACAACAAA-3'